The following is an entry in ClinVar:

NM_018942.3(HMX1):c.1012C>T (p.Pro338Ser)

Gene: HMX1 (H6 family homeobox 1; minus strand). Cytogenetic location: 4p16.1.
Variant type: single nucleotide variant.
Coding change: c.1012C>T on transcript NM_018942.3 (MANE Select); coding-DNA position 1012, C replaced by T.
Protein change: p.Pro338Ser; replaces proline 338 with serine.
Molecular consequence: missense variant. On other transcripts: intron variant (1).
Genome position (GRCh38, 1-based): chr4:8,867,728, G>A on the plus strand (C>T on the coding strand, the complement: HMX1 is on the minus strand). VCF-style: chr4-8867728-G-A. GRCh37 (hg19) VCF-style: chr4-8869454-G-A.
Other names: c.394+3493C>T (NM_001306142.2); short protein forms P338S.
Identifiers: ClinVar variation 2083247 (VCV002083247.4), dbSNP rs1037767196, ClinGen allele CA92349776.
Genomic context (GRCh38, chr4:8,867,728, plus strand): 5'-GGGGAGAGGGCCCGGCAGGCGGGGCTCACACCAGGCCAGGCATCTGCGCCCGCAGAAAGG[G>A]CACGGAGGCGGCGGCCGGGAAGGCGGCCAGCGGGTAGGCGAGGGCCCCGGAGAAGCCGAG-3'
Protein context (NP_061815.2, residues 328-348): LAAFPAAASV[Pro338Ser]FLRAQMPGLV

ClinVar aggregate classification (germline): Uncertain significance (1 of 4 stars; one submission).

Allele frequency attached by ClinVar (database versions not stated): gnomAD 0.00001.

Submission:

Labcorp Genetics (formerly Invitae), Labcorp
Classification: Uncertain significance. Last evaluated: 2022-05-12. Review status: criteria provided, single submitter. Criteria: Invitae Variant Classification Sherloc (09022015). Collection method: clinical testing. Allele origin: germline.
Comment: This sequence change replaces proline, which is neutral and non-polar, with serine, which is neutral and polar, at codon 338 of the HMX1 protein (p.Pro338Ser). This variant is present in population databases (no rsID available, gnomAD 0.06%). This variant has not been reported in the literature in individuals affected with HMX1-related conditions. Algorithms developed to predict the effect of missense changes on protein structure and function are either unavailable or do not agree on the potential impact of this missense change (SIFT: "Tolerated"; PolyPhen-2: "Possibly Damaging"; Align-GVGD: "Class C0"). In summary, the available evidence is currently insufficient to determine the role of this variant in disease. Therefore, it has been classified as a Variant of Uncertain Significance.